The following is an entry in ClinVar:

NM_001378454.1(ALMS1):c.1432+2T>C

Gene: ALMS1 (ALMS1 centrosome and basal body associated protein; plus strand). Cytogenetic location: 2p13.1.
Variant type: single nucleotide variant.
Coding change: c.1432+2T>C on transcript NM_001378454.1 (MANE Select); the canonical splice donor site of the intron after coding-DNA position 1432, T replaced by C.
Molecular consequence: splice donor variant.
Genome position (GRCh38, 1-based): chr2:73,432,293, T>C. VCF-style: chr2-73432293-T-C. GRCh37 (hg19) VCF-style: chr2-73659421-T-C.
Other names: c.1432+2T>C (NM_015120.4).
Identifiers: ClinVar variation 3018191 (VCV003018191.3), dbSNP rs2103734661, ClinGen allele CA347262726.

ClinVar aggregate classification (germline): Likely pathogenic (1 of 4 stars; one submission).

Conditions:
Alstrom syndrome (ALMS). Identifiers: Orphanet 64, MedGen C0268425, MONDO:0008763, OMIM 203800.

Allele frequency attached by ClinVar (database versions not stated): gnomAD exomes below 0.00001.
gnomAD v4.1: 1 of 1,604,544 alleles (0.000062%); highest among the groups gnomAD compares: Admixed American, 0.0017%; no homozygotes.

Submission:

Labcorp Genetics (formerly Invitae), Labcorp
Classification: Likely pathogenic for Alstrom syndrome. Last evaluated: 2022-12-31. Review status: criteria provided, single submitter. Criteria: Invitae Variant Classification Sherloc (09022015). Collection method: clinical testing. Allele origin: germline.
Comment: In summary, the currently available evidence indicates that the variant is pathogenic, but additional data are needed to prove that conclusively. Therefore, this variant has been classified as Likely Pathogenic. Algorithms developed to predict the effect of sequence changes on RNA splicing suggest that this variant may disrupt the consensus splice site. This variant has not been reported in the literature in individuals affected with ALMS1-related conditions. This variant is not present in population databases (gnomAD no frequency). This sequence change affects a donor splice site in intron 7 of the ALMS1 gene. It is expected to disrupt RNA splicing. Variants that disrupt the donor or acceptor splice site typically lead to a loss of protein function (PMID: 16199547), and loss-of-function variants in ALMS1 are known to be pathogenic (PMID: 17594715).

Literature cited by the submitters: PubMed 16199547; PubMed 17594715.